The following is an entry in ClinVar:

NM_001031710.3(KLHL7):c.167_168delinsGG (p.Pro56Arg)

Gene: KLHL7 (kelch like family member 7; plus strand). Cytogenetic location: 7p15.3.
Variant type: Indel.
Coding change: c.167_168delinsGG on transcript NM_001031710.3 (MANE Select); coding-DNA positions 167 to 168, CT replaced by GG.
Protein change: p.Pro56Arg; replaces proline 56 with arginine.
Molecular consequence: missense variant. On other transcripts: non-coding transcript variant (2).
Genome position (GRCh38, 1-based): chr7:23,123,823-23,123,824, CT replaced by GG. VCF-style: chr7-23123823-CT-GG. GRCh37 (hg19) VCF-style: chr7-23163442-CT-GG.
Other names: c.167_168delinsGG, p.Pro56Arg (NM_001172428.2); c.23_24delinsGG, p.Pro8Arg (NM_018846.5); short protein forms P56R, P8R.
Identifiers: ClinVar variation 3647272 (VCV003647272.2).
Genomic context (GRCh38, chr7:23,123,823, plus strand): 5'-TTTCCTTTGATTAGAAAACGTTGTGTGACGTGATCCTCATGGTCCAGGAAAGAAAGATAC[CT>GG]GCTCATCGTGTTGTTCTTGCTGCAGCCAGTCATTTTTTTAACTTAATGTTCACAAGTAAG-3'
Protein context (NP_001026880.2, residues 46-66): VILMVQERKI[Pro56Arg]AHRVVLAAAS

ClinVar aggregate classification (germline): Uncertain significance (1 of 4 stars; one submission).

Submission:

Labcorp Genetics (formerly Invitae), Labcorp
Classification: Uncertain significance. Last evaluated: 2024-03-21. Review status: criteria provided, single submitter. Criteria: Invitae Variant Classification Sherloc (09022015). Collection method: clinical testing. Allele origin: germline.
Comment: This sequence change replaces proline, which is neutral and non-polar, with arginine, which is basic and polar, at codon 56 of the KLHL7 protein (p.Pro56Arg). Information on the frequency of this variant in the gnomAD database is not available, as this variant may be reported differently in the database. This variant has not been reported in the literature in individuals affected with KLHL7-related conditions. An algorithm developed to predict the effect of missense changes on protein structure and function (PolyPhen-2) suggests that this variant is likely to be tolerated. In summary, the available evidence is currently insufficient to determine the role of this variant in disease. Therefore, it has been classified as a Variant of Uncertain Significance.